The following is an entry in ClinVar:

NM_001113378.2(FANCI):c.538A>T (p.Met180Leu)

Gene: FANCI (FA complementation group I; plus strand). Cytogenetic location: 15q26.1.
Variant type: single nucleotide variant.
Coding change: c.538A>T on transcript NM_001113378.2 (MANE Select); coding-DNA position 538, A replaced by T.
Protein change: p.Met180Leu; replaces methionine 180 with leucine.
Molecular consequence: missense variant.
Genome position (GRCh38, 1-based): chr15:89,263,453, A>T. VCF-style: chr15-89263453-A-T. GRCh37 (hg19) VCF-style: chr15-89806684-A-T.
Other names: c.259A>T, p.Met87Leu (NM_001376910.1); c.538A>T, p.Met180Leu (NM_001376911.1, NM_018193.3); short protein forms M180L, M87L.
Identifiers: ClinVar variation 1356566 (VCV001356566.7), dbSNP rs1233794193, ClinGen allele CA393738826.
Genomic context (GRCh38, chr15:89,263,453, plus strand): 5'-TAAACTTTGTCATTTTCTTCTACCAGGTGGGATCAGCAATATGTAATCCAACTCACCTCC[A>T]TGTTCAAGTAAGCATCATCTTTTCCCTTTTCTTTGTGTATCCTGCTTTGTGAACTTACTT-3'
Protein context (NP_001106849.1, residues 170-190): DQQYVIQLTS[Met180Leu]FKDVPLTAEE

ClinVar aggregate classification (germline): Uncertain significance (1 of 4 stars; one submission).

Conditions:
Fanconi anemia (FA). Also called: Fanconi's anemia. Identifiers: Orphanet 84, MedGen C0015625, MeSH D005199, MONDO:0019391.

Allele frequency attached by ClinVar (database versions not stated): gnomAD exomes 0.00001.

Submission:

Labcorp Genetics (formerly Invitae), Labcorp
Classification: Uncertain significance for Fanconi anemia. Last evaluated: 2025-01-23. Review status: criteria provided, single submitter. Criteria: Invitae Variant Classification Sherloc (09022015). Collection method: clinical testing. Allele origin: germline.
Comment: This sequence change replaces methionine, which is neutral and non-polar, with leucine, which is neutral and non-polar, at codon 180 of the FANCI protein (p.Met180Leu). This variant is present in population databases (no rsID available, gnomAD 0.002%). This variant has not been reported in the literature in individuals affected with FANCI-related conditions. ClinVar contains an entry for this variant (Variation ID: 1356566). Invitae Evidence Modeling of protein sequence and biophysical properties (such as structural, functional, and spatial information, amino acid conservation, physicochemical variation, residue mobility, and thermodynamic stability) indicates that this missense variant is expected to disrupt FANCI protein function with a positive predictive value of 80%. In summary, the available evidence is currently insufficient to determine the role of this variant in disease. Therefore, it has been classified as a Variant of Uncertain Significance.